The following is an entry in ClinVar:

NM_005045.4(RELN):c.3691A>G (p.Ile1231Val)

Gene: RELN (reelin; minus strand). Cytogenetic location: 7q22.1.
Variant type: single nucleotide variant.
Coding change: c.3691A>G on transcript NM_005045.4 (MANE Select); coding-DNA position 3691, A replaced by G.
Protein change: p.Ile1231Val; replaces isoleucine 1231 with valine.
Molecular consequence: missense variant.
Genome position (GRCh38, 1-based): chr7:103,594,341, T>C on the plus strand (A>G on the coding strand, the complement: RELN is on the minus strand). VCF-style: chr7-103594341-T-C. GRCh37 (hg19) VCF-style: chr7-103234788-T-C.
Other names: c.3691A>G, p.Ile1231Val (NM_173054.3); short protein forms I1231V.
Identifiers: ClinVar variation 2933079 (VCV002933079.3), dbSNP rs2484793981, ClinGen allele CA368758271.
Genomic context (GRCh38, chr7:103,594,341, plus strand): 5'-TAATTATCTGTCTTCTTGGAGTTCAGACATAGGAGAATACCTGAGGTAAAGTTGGATTGA[T>C]AACTGGGATGATCTGCTTCTGCTTCTCGGACAGAATGATGATGTCATCGACTGCCCACTG-3'
Protein context (NP_005036.2, residues 1221-1241): SEKQKQIIPV[Ile1231Val]NPTLPQNFYE

ClinVar aggregate classification (germline): Uncertain significance (1 of 4 stars; one submission).

Conditions:
Norman-Roberts syndrome (LIS2). Also called: Lissencephaly 2 (Norman-Roberts type). Identifiers: Orphanet 89844, MedGen C0796089, MONDO:0009760, OMIM 257320.
Familial temporal lobe epilepsy 7. Identifiers: Orphanet 101046, MedGen C4225327, MONDO:0014639, OMIM 616436.

Submission:

Labcorp Genetics (formerly Invitae), Labcorp
Classification: Uncertain significance for Familial temporal lobe epilepsy 7; Norman-Roberts syndrome. Last evaluated: 2024-05-14. Review status: criteria provided, single submitter. Criteria: Invitae Variant Classification Sherloc (09022015). Collection method: clinical testing. Allele origin: germline.
Comment: This sequence change replaces isoleucine, which is neutral and non-polar, with valine, which is neutral and non-polar, at codon 1231 of the RELN protein (p.Ile1231Val). This variant is not present in population databases (gnomAD no frequency). This variant has not been reported in the literature in individuals affected with RELN-related conditions. Advanced modeling of protein sequence and biophysical properties (such as structural, functional, and spatial information, amino acid conservation, physicochemical variation, residue mobility, and thermodynamic stability) performed at Invitae indicates that this missense variant is not expected to disrupt RELN protein function with a negative predictive value of 80%. In summary, the available evidence is currently insufficient to determine the role of this variant in disease. Therefore, it has been classified as a Variant of Uncertain Significance.